The following is an entry in ClinVar:

NM_001288705.3(CSF1R):c.2512G>A (p.Val838Ile)

Gene: CSF1R (colony stimulating factor 1 receptor; minus strand). Cytogenetic location: 5q32.
Variant type: single nucleotide variant.
Coding change: c.2512G>A on transcript NM_001288705.3 (MANE Select); coding-DNA position 2512, G replaced by A.
Protein change: p.Val838Ile; replaces valine 838 with isoleucine.
Molecular consequence: missense variant. On other transcripts: non-coding transcript variant (2).
Genome position (GRCh38, 1-based): chr5:150,056,068, C>T on the plus strand (G>A on the coding strand, the complement: CSF1R is on the minus strand). VCF-style: chr5-150056068-C-T. GRCh37 (hg19) VCF-style: chr5-149435631-C-T.
Other names: c.2512G>A, p.Val838Ile (NM_001349736.2, NM_001375320.1, NM_005211.4); c.2068G>A, p.Val690Ile (NM_001375321.1); short protein forms V690I, V838I.
Identifiers: ClinVar variation 1954535 (VCV001954535.5), dbSNP rs690016557, ClinGen allele CA129102559.

ClinVar aggregate classification (germline): Uncertain significance (1 of 4 stars; one submission).

Allele frequency attached by ClinVar (database versions not stated): gnomAD exomes below 0.00001; TOPMed below 0.00001; gnomAD 0.00001.
gnomAD v4.1: 3 of 1,614,100 alleles (0.00019%); highest among the groups gnomAD compares: Non-Finnish European, 0.00025%; no homozygotes.

Submission:

Labcorp Genetics (formerly Invitae), Labcorp
Classification: Uncertain significance. Last evaluated: 2022-03-09. Review status: criteria provided, single submitter. Criteria: Invitae Variant Classification Sherloc (09022015). Collection method: clinical testing. Allele origin: germline.
Comment: This sequence change replaces valine, which is neutral and non-polar, with isoleucine, which is neutral and non-polar, at codon 838 of the CSF1R protein (p.Val838Ile). This variant is not present in population databases (gnomAD no frequency). This variant has not been reported in the literature in individuals affected with CSF1R-related conditions. Advanced modeling of protein sequence and biophysical properties (such as structural, functional, and spatial information, amino acid conservation, physicochemical variation, residue mobility, and thermodynamic stability) performed at Invitae indicates that this missense variant is expected to disrupt CSF1R protein function. In summary, the available evidence is currently insufficient to determine the role of this variant in disease. Therefore, it has been classified as a Variant of Uncertain Significance.